The following is an entry in ClinVar:

ClinVar aggregate classification (germline): Likely benign. Review status: criteria provided, single submitter (1 of 4 stars). 2 submissions from 2 submitters: Likely benign (1). 1 of the submissions does not count toward it. Last evaluated 2024-09-02.

Conditions:
PHACTR1-related disorder. Also called: PHACTR1-related condition.

Allele frequency attached by ClinVar (database versions not stated): ExAC 0.00013; TOPMed 0.00021; gnomAD exomes 0.00023; ESP Exome Variant Server 0.00049.
gnomAD v4.1: 364 of 1,600,352 alleles (0.023%); highest among the groups gnomAD compares: Non-Finnish European, 0.028%; no homozygotes.

Submissions (2):

Blueprint Genetics
Classification: Likely benign. Last evaluated: 2024-09-02. Review status: criteria provided, single submitter. Criteria: ACMG Guidelines, 2015. Collection method: clinical testing. Allele origin: germline.

PreventionGenetics, part of Exact Sciences
Classification: Likely benign for PHACTR1-related condition. Last evaluated: 2019-05-28. Review status: no assertion criteria provided. Collection method: clinical testing. Allele origin: germline. Not counted in ClinVar's aggregate classification.
Comment: This variant is classified as likely benign based on ACMG/AMP sequence variant interpretation guidelines (Richards et al. 2015 PMID: 25741868, with internal and published modifications).

NM_030948.6(PHACTR1):c.717G>A (p.Pro239=)

Gene: PHACTR1 (phosphatase and actin regulator 1; plus strand). Cytogenetic location: 6p24.1.
Variant type: single nucleotide variant.
Coding change: c.717G>A on transcript NM_030948.6 (MANE Select); coding-DNA position 717, G replaced by A.
Protein change: p.Pro239=; no amino-acid change (proline 239 retained).
Molecular consequence: synonymous variant.
Genome position (GRCh38, 1-based): chr6:13,205,867, G>A. VCF-style: chr6-13205867-G-A. GRCh37 (hg19) VCF-style: chr6-13206099-G-A.
Other names: c.717G>A, p.Pro239= (NM_001242648.4, NM_001322308.3, NM_001322309.3 and 1 more transcripts); c.924G>A, p.Pro308= (NM_001322310.2, NM_001374582.1); c.441G>A, p.Pro147= (NM_001322311.2, NM_001322312.3, NM_001374583.2); c.648G>A, p.Pro216= (NM_001322313.2); c.927G>A, p.Pro309= (NM_001322314.4).
Identifiers: ClinVar variation 3038716 (VCV003038716.3), dbSNP rs373195107, ClinGen allele CA3639159.